The following is an entry in ClinVar:

NM_001367624.2(ZNF469):c.10951T>A (p.Ser3651Thr)

Gene: ZNF469 (zinc finger protein 469; plus strand). Cytogenetic location: 16q24.2.
Variant type: single nucleotide variant.
Coding change: c.10951T>A on transcript NM_001367624.2 (MANE Select); coding-DNA position 10951, T replaced by A.
Protein change: p.Ser3651Thr; replaces serine 3651 with threonine.
Molecular consequence: missense variant.
Genome position (GRCh38, 1-based): chr16:88,438,421, T>A. VCF-style: chr16-88438421-T-A. GRCh37 (hg19) VCF-style: chr16-88504829-T-A.
Other names: p.Ser3651Thr; short protein forms S3651T.
Identifiers: ClinVar variation 4542077 (VCV004542077.1).

ClinVar aggregate classification (germline): Uncertain significance (1 of 4 stars; one submission).

gnomAD v4.1: 20 of 1,549,896 alleles (0.0013%); highest among the groups gnomAD compares: Non-Finnish European, 0.0017%; no homozygotes.

Submission:

Mayo Clinic Laboratories, Mayo Clinic
Classification: Uncertain significance. Last evaluated: 2025-11-26. Review status: criteria provided, single submitter. Criteria: ACMG Guidelines, 2015. Collection method: clinical testing. Allele origin: germline. Observed: 1 variant allele.
Comment: BP4_moderate, PM2_supporting